The following is an entry in ClinVar:

ClinVar aggregate classification (germline): Uncertain significance. Review status: criteria provided, multiple submitters, no conflicts (2 of 4 stars). 2 submissions from 2 submitters: Uncertain significance (2). Last evaluated 2022-07-19.

Conditions:
Hereditary cancer-predisposing syndrome. Also called: Tumor predisposition; Hereditary neoplastic syndrome; Neoplastic Syndromes, Hereditary; Hereditary Cancer Syndrome. Identifiers: Orphanet 140162, MedGen C0027672, MeSH D009386, MONDO:0015356.
Familial cancer of breast. Also called: Hereditary breast cancer; BREAST CANCER, FAMILIAL; hereditary breast carcinoma. Identifiers: Orphanet 227535, MedGen C0346153, MONDO:0016419, OMIM 114480. Disease mechanism: loss of function.

Allele frequency attached by ClinVar (database versions not stated): TOPMed below 0.00001.

Submissions (2):

Labcorp Genetics (formerly Invitae), Labcorp
Classification: Uncertain significance for Familial cancer of breast. Last evaluated: 2022-07-19. Review status: criteria provided, single submitter. Criteria: Invitae Variant Classification Sherloc (09022015). Collection method: clinical testing. Allele origin: germline.
Comment: Algorithms developed to predict the effect of missense changes on protein structure and function are either unavailable or do not agree on the potential impact of this missense change (SIFT: "Tolerated"; PolyPhen-2: "Possibly Damaging"; Align-GVGD: "Class C0"). In summary, the available evidence is currently insufficient to determine the role of this variant in disease. Therefore, it has been classified as a Variant of Uncertain Significance. ClinVar contains an entry for this variant (Variation ID: 1357797). This sequence change replaces lysine, which is basic and polar, with asparagine, which is neutral and polar, at codon 436 of the PALB2 protein (p.Lys436Asn). This variant is not present in population databases (gnomAD no frequency). This variant has not been reported in the literature in individuals affected with PALB2-related conditions.

Ambry Genetics
Classification: Uncertain significance for Hereditary cancer-predisposing syndrome. Last evaluated: 2020-06-25. Review status: criteria provided, single submitter. Criteria: Ambry Variant Classification Scheme 2023. Collection method: clinical testing. Allele origin: germline.
Comment: The p.K436N variant (also known as c.1308G>C), located in coding exon 4 of the PALB2 gene, results from a G to C substitution at nucleotide position 1308. The lysine at codon 436 is replaced by asparagine, an amino acid with similar properties. This amino acid position is poorly conserved in available vertebrate species. In addition, this alteration is predicted to be tolerated by in silico analysis. Since supporting evidence is limited at this time, the clinical significance of this alteration remains unclear.

NM_024675.4(PALB2):c.1308G>C (p.Lys436Asn)

Gene: PALB2 (partner and localizer of BRCA2; minus strand). Cytogenetic location: 16p12.2.
Variant type: single nucleotide variant.
Coding change: c.1308G>C on transcript NM_024675.4 (MANE Select); coding-DNA position 1308, G replaced by C.
Protein change: p.Lys436Asn; replaces lysine 436 with asparagine.
Molecular consequence: missense variant.
Genome position (GRCh38, 1-based): chr16:23,635,238, C>G on the plus strand (G>C on the coding strand, the complement: PALB2 is on the minus strand). VCF-style: chr16-23635238-C-G. GRCh37 (hg19) VCF-style: chr16-23646559-C-G.
Other names: short protein forms K436N.
Identifiers: ClinVar variation 1357797 (VCV001357797.11), dbSNP rs1258005167, ClinGen allele CA395132411.